The following is an entry in ClinVar:

NM_021224.6(ZNF462):c.7146T>G (p.Asp2382Glu)

Genes: ZNF462 (zinc finger protein 462; plus strand), LOC340512 (uncharacterized LOC340512; minus strand). Cytogenetic location: 9q31.2.
Variant type: single nucleotide variant.
Coding change: c.7146T>G on transcript NM_021224.6 (MANE Select); coding-DNA position 7146, T replaced by G.
Protein change: p.Asp2382Glu; replaces aspartic acid 2382 with glutamic acid.
Molecular consequence: missense variant.
Genome position (GRCh38, 1-based): chr9:107,003,383, T>G. VCF-style: chr9-107003383-T-G. GRCh37 (hg19) VCF-style: chr9-109765664-T-G.
Other names: c.4551T>G, p.Asp1517Glu (NM_001347997.2); short protein forms D1517E, D2382E.
Identifiers: ClinVar variation 4085477 (VCV004085477.8).

ClinVar aggregate classification (germline): Uncertain significance (1 of 4 stars; one submission).

Submission:

CeGaT Center for Human Genetics Tuebingen
Classification: Uncertain significance. Last evaluated: 2025-07-01. Review status: criteria provided, single submitter. Criteria: CeGaT Center For Human Genetics Tuebingen Variant Classification Criteria Version 2. Collection method: clinical testing. Allele origin: germline. Affected: yes. Observed: 1 variant allele.
Comment: ZNF462: PM2, BP4